The following is an entry in ClinVar:

NM_001267550.2(TTN):c.106046T>C (p.Leu35349Pro)

Genes: TTN (titin; minus strand), TTN-AS1 (TTN antisense RNA 1; plus strand), LOC129935182 (ATAC-STARR-seq lymphoblastoid active region 16807; plus strand). Cytogenetic location: 2q31.2.
Variant type: single nucleotide variant.
Coding change: c.106046T>C on transcript NM_001267550.2 (MANE Select); coding-DNA position 106046, T replaced by C.
Protein change: p.Leu35349Pro; replaces leucine 35349 with proline.
Molecular consequence: missense variant.
Genome position (GRCh38, 1-based): chr2:178,530,569, A>G on the plus strand (T>C on the coding strand, the complement: TTN is on the minus strand). VCF-style: chr2-178530569-A-G. GRCh37 (hg19) VCF-style: chr2-179395296-A-G.
Other names: c.101123T>C, p.Leu33708Pro (NM_001256850.1); c.98342T>C, p.Leu32781Pro (NM_133378.4); c.79226T>C, p.Leu26409Pro (NM_133432.3); c.79427T>C, p.Leu26476Pro (NM_133437.4); c.78851T>C, p.Leu26284Pro (NM_003319.4); short protein forms L26284P, L26476P, L35349P, L26409P, L32781P, L33708P.
Identifiers: ClinVar variation 2021348 (VCV002021348.4), dbSNP rs2468375774, ClinGen allele CA349407149.
Genomic context (GRCh38, chr2:178,530,569, plus strand): 5'-TTAGACGTTCCACCTTCACCAGAAATCTCACAAACATATTCTCCTTGATCAGATTCAGTG[A>G]GGTTATTGATTTTGAGCTCATAGGTACCATCTGCTGAATAATGAAACTGGAAATGCCCAT-3'
Protein context (NP_001254479.2, residues 35339-35359): DGTYELKINN[Leu35349Pro]TESDQGEYVC

ClinVar aggregate classification (germline): Uncertain significance (1 of 4 stars; one submission).

Conditions:
Autosomal recessive limb-girdle muscular dystrophy type 2J (LGMDR10). Also called: Limb-girdle muscular dystrophy, type 2J; MUSCULAR DYSTROPHY, LIMB-GIRDLE, AUTOSOMAL RECESSIVE 10. Identifiers: Orphanet 140922, MedGen C1837342, MONDO:0012127, OMIM 608807.
Dilated cardiomyopathy 1G (CMD1G). Identifiers: Orphanet 154, MedGen C1858763, MONDO:0011400, OMIM 604145.

Submission:

Labcorp Genetics (formerly Invitae), Labcorp
Classification: Uncertain significance for Dilated cardiomyopathy 1G; Autosomal recessive limb-girdle muscular dystrophy type 2J. Last evaluated: 2022-08-03. Review status: criteria provided, single submitter. Criteria: Invitae Variant Classification Sherloc (09022015). Collection method: clinical testing. Allele origin: germline.
Comment: This variant has not been reported in the literature in individuals affected with TTN-related conditions. This variant is not present in population databases (gnomAD no frequency). This sequence change replaces leucine, which is neutral and non-polar, with proline, which is neutral and non-polar, at codon 35349 of the TTN protein (p.Leu35349Pro). Experimental studies and prediction algorithms are not available or were not evaluated, and the functional significance of this variant is currently unknown. In summary, the available evidence is currently insufficient to determine the role of this variant in disease. Therefore, it has been classified as a Variant of Uncertain Significance. This variant is located in the M band of TTN (PMID: 25589632). Variants in this region may be relevant for neuromuscular disorders, but have not been definitively shown to cause cardiomyopathy (PMID: 23975875).

Literature cited by the submitters: PubMed 25589632; PubMed 23975875.